The following is an entry in ClinVar:

NM_014225.6(PPP2R1A):c.545G>A (p.Arg182Gln)

Gene: PPP2R1A (protein phosphatase 2 scaffold subunit Aalpha; plus strand). Cytogenetic location: 19q13.41.
Variant type: single nucleotide variant.
Coding change: c.545G>A on transcript NM_014225.6 (MANE Select); coding-DNA position 545, G replaced by A.
Protein change: p.Arg182Gln; replaces arginine 182 with glutamine.
Molecular consequence: missense variant. On other transcripts: non-coding transcript variant (1).
Genome position (GRCh38, 1-based): chr19:52,212,727, G>A. VCF-style: chr19-52212727-G-A. GRCh37 (hg19) VCF-style: chr19-52715980-G-A.
Other names: c.8G>A, p.Arg3Gln (NM_001363656.2); short protein forms R3Q, R182Q.
Identifiers: ClinVar variation 3649140 (VCV003649140.3).
Genomic context (GRCh38, chr19:52,212,727, plus strand): 5'-CCCCGTCCCCGACTCCCAGGTACTTCCGGAACCTGTGCTCAGATGACACCCCCATGGTGC[G>A]GCGGGCCGCAGCCTCCAAGCTGGGGGAGTTTGCCAAGGTGCTGGAGCTGGACAACGTCAA-3'
Protein context (NP_055040.2, residues 172-192): NLCSDDTPMV[Arg182Gln]RAAASKLGEF

ClinVar aggregate classification (germline): Pathogenic/Likely pathogenic. Review status: criteria provided, multiple submitters, no conflicts (2 of 4 stars). 2 submissions from 2 submitters: Pathogenic (1); Likely pathogenic (1). Last evaluated 2024-10-22.

Conditions:
Houge-Janssens syndrome 2. Also called: PPP2R1A-Related Neurodevelopmental Disorder; Microcephaly-corpus callosum hypoplasia-intellectual disability-facial dysmorphism syndrome; INTELLECTUAL DEVELOPMENTAL DISORDER, AUTOSOMAL DOMINANT 36. Identifiers: Orphanet 457284, MedGen C4225352, MONDO:0014605, OMIM 616362.

gnomAD v4.1: 1 of 1,614,020 alleles (0.000062%); highest among the groups gnomAD compares: Non-Finnish European, 0.000085%; no homozygotes.

Submissions (2):

Labcorp Genetics (formerly Invitae), Labcorp
Classification: Pathogenic. Last evaluated: 2024-10-22. Review status: criteria provided, single submitter. Criteria: Invitae Variant Classification Sherloc (09022015). Collection method: clinical testing. Allele origin: germline.
Comment: This sequence change replaces arginine, which is basic and polar, with glutamine, which is neutral and polar, at codon 182 of the PPP2R1A protein (p.Arg182Gln). This variant is not present in population databases (gnomAD no frequency). This missense change has been observed in individual(s) with PPP2R1A-related conditions (internal data). In at least one individual the variant was observed to be de novo. Invitae Evidence Modeling of protein sequence and biophysical properties (such as structural, functional, and spatial information, amino acid conservation, physicochemical variation, residue mobility, and thermodynamic stability) indicates that this missense variant is expected to disrupt PPP2R1A protein function with a positive predictive value of 80%. This variant disrupts the p.Arg182 amino acid residue in PPP2R1A. Other variant(s) that disrupt this residue have been determined to be pathogenic (PMID: 25533962, 26168268). This suggests that this residue is clinically significant, and that variants that disrupt this residue are likely to be disease-causing. For these reasons, this variant has been classified as Pathogenic.

Department of Genetics, Rouen University Hospital, Normandy Center for Genomic and Personalized Medicine
Classification: Likely pathogenic for Houge-Janssens syndrome 2. Last evaluated: 2024-10-10. Review status: criteria provided, single submitter. Criteria: ACMG Guidelines, 2015. Collection method: clinical testing. Allele origin: de novo. Affected: yes.

Literature cited by the submitters: PubMed 25533962 (cited by Labcorp Genetics (formerly Invitae), Labcorp); PubMed 26168268 (cited by Labcorp Genetics (formerly Invitae), Labcorp).